The following is an entry in ClinVar:

ClinVar aggregate classification (germline): Uncertain significance. Review status: criteria provided, multiple submitters, no conflicts (2 of 4 stars). 3 submissions from 3 submitters: Uncertain significance (3). Last evaluated 2026-02-26.

Conditions:
TTN-related disorder. Also called: TTN-related disorders; TTN-related condition; TTN-related disease.
Autosomal recessive limb-girdle muscular dystrophy type 2J (LGMDR10). Also called: Limb-girdle muscular dystrophy, type 2J; MUSCULAR DYSTROPHY, LIMB-GIRDLE, AUTOSOMAL RECESSIVE 10. Identifiers: Orphanet 140922, MedGen C1837342, MONDO:0012127, OMIM 608807.
Dilated cardiomyopathy 1G (CMD1G). Identifiers: Orphanet 154, MedGen C1858763, MONDO:0011400, OMIM 604145.
Cardiovascular phenotype. Identifiers: MedGen CN230736.

Allele frequency attached by ClinVar (database versions not stated): ESP Exome Variant Server 0.00008.
gnomAD v4.1: 6 of 1,613,852 alleles (0.00037%); highest among the groups gnomAD compares: African/African-American, 0.008%; no homozygotes.

Submissions (3):

PreventionGenetics, part of Exact Sciences
Classification: Uncertain significance for TTN-related condition. Last evaluated: 2026-02-26. Review status: criteria provided, single submitter. Criteria: ACMG Guidelines, 2015. Collection method: clinical testing. Allele origin: germline.
Comment: The TTN c.105406C>G variant is predicted to result in the amino acid substitution p.Arg35136Gly. To our knowledge, this variant has not been reported in the literature. This variant is reported in 0.017% of alleles in individuals of African descent in gnomAD. At this time, the clinical significance of this variant is uncertain due to the absence of conclusive functional and genetic evidence.

Labcorp Genetics (formerly Invitae), Labcorp
Classification: Uncertain significance for Dilated cardiomyopathy 1G; Autosomal recessive limb-girdle muscular dystrophy type 2J. Last evaluated: 2025-07-29. Review status: criteria provided, single submitter. Criteria: Invitae Variant Classification Sherloc (09022015). Collection method: clinical testing. Allele origin: germline.
Comment: This sequence change replaces arginine, which is basic and polar, with glycine, which is neutral and non-polar, at codon 35136 of the TTN protein (p.Arg35136Gly). This variant is present in population databases (rs372875128, gnomAD 0.02%). This variant has not been reported in the literature in individuals affected with TTN-related conditions. ClinVar contains an entry for this variant (Variation ID: 1448884). Experimental studies and prediction algorithms are not available or were not evaluated, and the functional significance of this variant is currently unknown. This variant is located in the M band of TTN (PMID: 25589632). Non-truncating variants in this region may be relevant for neuromuscular disorders, but have not been definitively shown to cause cardiomyopathy (PMID: 23975875). In summary, the available evidence is currently insufficient to determine the role of this variant in disease. Therefore, it has been classified as a Variant of Uncertain Significance.

Ambry Genetics
Classification: Uncertain significance for Cardiovascular phenotype. Last evaluated: 2019-11-13. Review status: criteria provided, single submitter. Criteria: Ambry Variant Classification Scheme 2023. Collection method: clinical testing. Allele origin: germline.
Comment: The p.R26071G variant (also known as c.78211C>G), located in coding exon 185 of the TTN gene, results from a C to G substitution at nucleotide position 78211. The arginine at codon 26071 is replaced by glycine, an amino acid with dissimilar properties. Another variant affecting this codon (p.R26071W, c.78211C>T) was reported to co-occur with variants in other cardiac-related genes in an individual from a hypertrophic cardiomyopathy cohort (Lopes LR et al. J. Med. Genet. 2013 Apr;50(4):228-39). This amino acid position is not well conserved in available vertebrate species. In addition, this alteration is predicted to be tolerated by in silico analysis. Since supporting evidence is limited at this time, the clinical significance of this alteration remains unclear.

Literature cited by the submitters: PubMed 25589632 (cited by Labcorp Genetics (formerly Invitae), Labcorp); PubMed 23975875 (cited by Labcorp Genetics (formerly Invitae), Labcorp); PubMed 23396983 (cited by Ambry Genetics).

NM_001267550.2(TTN):c.105406C>G (p.Arg35136Gly)

Genes: TTN (titin; minus strand), TTN-AS1 (TTN antisense RNA 1; plus strand). Cytogenetic location: 2q31.2.
Variant type: single nucleotide variant.
Coding change: c.105406C>G on transcript NM_001267550.2 (MANE Select); coding-DNA position 105406, C replaced by G.
Protein change: p.Arg35136Gly; replaces arginine 35136 with glycine.
Molecular consequence: missense variant.
Genome position (GRCh38, 1-based): chr2:178,531,209, G>C on the plus strand (C>G on the coding strand, the complement: TTN is on the minus strand). VCF-style: chr2-178531209-G-C. GRCh37 (hg19) VCF-style: chr2-179395936-G-C.
Other names: c.100483C>G, p.Arg33495Gly (NM_001256850.1); c.78211C>G, p.Arg26071Gly (NM_003319.4); c.97702C>G, p.Arg32568Gly (NM_133378.4); c.78586C>G, p.Arg26196Gly (NM_133432.3); c.78787C>G, p.Arg26263Gly (NM_133437.4); short protein forms R26071G, R26196G, R26263G, R32568G, R33495G, R35136G.
Identifiers: ClinVar variation 1448884 (VCV001448884.9), dbSNP rs372875128, ClinGen allele CA1985268.
Genomic context (GRCh38, chr2:178,531,209, plus strand): 5'-GCTCACCATCGGTGTCACAAGAAAACCTTGCAGACTCGCCCTCGTAGACGGTCATGGACC[G>C]TGGCTTTGTTAGAATTCTTGCTGCCAAAGTCGTCTTGATCTTTCTGGTTGTGGATTTTTC-3'
Protein context (NP_001254479.2, residues 35126-35146): TLAARILTKP[Arg35136Gly]SMTVYEGESA